The following is an entry in ClinVar:

ClinVar aggregate classification (germline): Uncertain significance (1 of 4 stars; one submission).

Conditions:
Hereditary cancer-predisposing syndrome. Also called: Neoplastic Syndromes, Hereditary; Tumor predisposition; Hereditary neoplastic syndrome; Hereditary Cancer Syndrome. Identifiers: Orphanet 140162, MedGen C0027672, MeSH D009386, MONDO:0015356.

Submission:

Ambry Genetics
Classification: Uncertain significance for Hereditary cancer-predisposing syndrome. Last evaluated: 2019-05-29. Review status: criteria provided, single submitter. Criteria: Ambry Variant Classification Scheme 2023. Collection method: clinical testing. Allele origin: germline.
Comment: The p.G258W variant (also known as c.772G>T), located in coding exon 9 of the RAD51D gene, results from a G to T substitution at nucleotide position 772. The glycine at codon 258 is replaced by tryptophan, an amino acid with highly dissimilar properties. This amino acid position is well conserved in available vertebrate species. In addition, this alteration is predicted to be tolerated by in silico analysis. Since supporting evidence is limited at this time, the clinical significance of this alteration remains unclear.

NM_002878.4(RAD51D):c.772G>T (p.Gly258Trp)

Genes: RAD51D (RAD51 paralog D; minus strand), RAD51L3-RFFL (RAD51L3-RFFL readthrough; minus strand). Cytogenetic location: 17q12.
Variant type: single nucleotide variant.
Coding change: c.772G>T on transcript NM_002878.4 (MANE Select); coding-DNA position 772, G replaced by T.
Protein change: p.Gly258Trp; replaces glycine 258 with tryptophan.
Molecular consequence: missense variant. On other transcripts: non-coding transcript variant (3).
Genome position (GRCh38, 1-based): chr17:35,101,332, C>A on the plus strand (G>T on the coding strand, the complement: RAD51D is on the minus strand). VCF-style: chr17-35101332-C-A. GRCh37 (hg19) VCF-style: chr17-33428351-C-A.
Other names: c.832G>T, p.Gly278Trp (NM_001142571.2); c.436G>T, p.Gly146Trp (NM_133629.3); short protein forms G278W, G146W, G258W.
Identifiers: ClinVar variation 827227 (VCV000827227.4), dbSNP rs181695922, ClinGen allele CA399086908.